The following is an entry in ClinVar:

ClinVar aggregate classification (germline): Uncertain significance (1 of 4 stars; one submission).

Conditions:
Cowden syndrome 6 (CWS6). Identifiers: Orphanet 201, MedGen C3554519, MONDO:0014048, OMIM 615109.

Submission:

Labcorp Genetics (formerly Invitae), Labcorp
Classification: Uncertain significance for Cowden syndrome 6. Last evaluated: 2017-07-06. Review status: criteria provided, single submitter. Criteria: Invitae Variant Classification Sherloc (09022015). Collection method: clinical testing. Allele origin: germline.
Comment: In summary, the available evidence is currently insufficient to determine the role of this variant in disease. Therefore, it has been classified as a Variant of Uncertain Significance. Algorithms developed to predict the effect of missense changes on protein structure and function output the following: SIFT: "Tolerated"; PolyPhen-2: "Benign"; Align-GVGD: "Class C0". The aspartic acid amino acid residue is found in multiple mammalian species, suggesting that this missense change does not adversely affect protein function. These predictions have not been confirmed by published functional studies and their clinical significance is uncertain. This variant has not been reported in the literature in individuals with AKT1-related disease. This variant is not present in population databases (ExAC no frequency). This sequence change replaces glutamic acid with aspartic acid at codon 397 of the AKT1 protein (p.Glu397Asp). The glutamic acid residue is weakly conserved and there is a small physicochemical difference between glutamic acid and aspartic acid.

NM_001382430.1(AKT1):c.1191G>T (p.Glu397Asp)

Gene: AKT1 (AKT serine/threonine kinase 1; minus strand). Cytogenetic location: 14q32.33.
Variant type: single nucleotide variant.
Coding change: c.1191G>T on transcript NM_001382430.1 (MANE Select); coding-DNA position 1191, G replaced by T.
Protein change: p.Glu397Asp; replaces glutamic acid 397 with aspartic acid.
Molecular consequence: missense variant.
Genome position (GRCh38, 1-based): chr14:104,772,434, C>A on the plus strand (G>T on the coding strand, the complement: AKT1 is on the minus strand). VCF-style: chr14-104772434-C-A. GRCh37 (hg19) VCF-style: chr14-105238771-C-A.
Other names: c.1191G>T, p.Glu397Asp (NM_001014431.2, NM_001014432.2, NM_001382431.1 and 3 more transcripts); short protein forms E397D.
Identifiers: ClinVar variation 473848 (VCV000473848.8), dbSNP rs1334042967, ClinGen allele CA391216366.
Genomic context (GRCh38, chr14:104,772,434, plus strand): 5'-GTACACGTGCTGCCACACGATACCGGCAAAGAAGCGATGCTGCATGATCTCCTTGGCGTC[C>A]TCGGAGCCCCCGCCAAGCCTGCAGGCAGGAAACAAGGCCACAGTGTCGGTACCGCCACCT-3'
Protein context (NP_001369359.1, residues 387-407): DPKQRLGGGS[Glu397Asp]DAKEIMQHRF